The following is an entry in ClinVar:

ClinVar aggregate classification (germline): Uncertain significance (1 of 4 stars; one submission).

Conditions:
Gnathodiaphyseal dysplasia (GDD). Also called: GNATHODIAPHYSEAL SCLEROSIS; OSTEOGENESIS IMPERFECTA WITH UNUSUAL SKELETAL LESIONS. Identifiers: Orphanet 53697, MedGen C1833736, MONDO:0008151, OMIM 166260.
Autosomal recessive limb-girdle muscular dystrophy type 2L (LGMDR12). Also called: Limb-girdle muscular dystrophy, type 2L; MUSCULAR DYSTROPHY, LIMB-GIRDLE, AUTOSOMAL RECESSIVE 12; Limb-Girdle Muscular Dystrophy R12 Anoctamin-5-Related (LGMD-R12). Identifiers: Orphanet 206549, MedGen C1969785, MONDO:0012652, OMIM 611307.

Submission:

Labcorp Genetics (formerly Invitae), Labcorp
Classification: Uncertain significance for Autosomal recessive limb-girdle muscular dystrophy type 2L; Gnathodiaphyseal dysplasia. Last evaluated: 2022-04-29. Review status: criteria provided, single submitter. Criteria: Invitae Variant Classification Sherloc (09022015). Collection method: clinical testing. Allele origin: germline.
Comment: Advanced modeling of protein sequence and biophysical properties (such as structural, functional, and spatial information, amino acid conservation, physicochemical variation, residue mobility, and thermodynamic stability) performed at Invitae indicates that this missense variant is expected to disrupt ANO5 protein function. In summary, the available evidence is currently insufficient to determine the role of this variant in disease. Therefore, it has been classified as a Variant of Uncertain Significance. This variant has not been reported in the literature in individuals affected with ANO5-related conditions. This variant is not present in population databases (gnomAD no frequency). This sequence change replaces leucine, which is neutral and non-polar, with valine, which is neutral and non-polar, at codon 252 of the ANO5 protein (p.Leu252Val).

NM_213599.3(ANO5):c.754C>G (p.Leu252Val)

Gene: ANO5 (anoctamin 5; plus strand). Cytogenetic location: 11p14.3.
Variant type: single nucleotide variant.
Coding change: c.754C>G on transcript NM_213599.3 (MANE Select); coding-DNA position 754, C replaced by G.
Protein change: p.Leu252Val; replaces leucine 252 with valine.
Molecular consequence: missense variant.
Genome position (GRCh38, 1-based): chr11:22,236,268, C>G. VCF-style: chr11-22236268-C-G. GRCh37 (hg19) VCF-style: chr11-22257814-C-G.
Other names: c.751C>G, p.Leu251Val (NM_001142649.2); c.712C>G, p.Leu238Val (NM_001410963.1); c.709C>G, p.Leu237Val (NM_001410964.1); short protein forms L251V, L237V, L238V, L252V.
Identifiers: ClinVar variation 2128844 (VCV002128844.4), dbSNP rs1159326828, ClinGen allele CA379920334.